The following is an entry in ClinVar:

ClinVar aggregate classification (germline): Uncertain significance. Review status: criteria provided, multiple submitters, no conflicts (2 of 4 stars). 3 submissions from 3 submitters: Uncertain significance (3). Last evaluated 2026-02-24.

Conditions:
PLEC-related disorder. Also called: PLEC-related disorders; PLEC-related condition.
Epidermolysis bullosa simplex, Ogna type (EBS5A). Also called: Pidermolysis bullosa simplex 5A, Ogna type; EPIDERMOLYSIS BULLOSA SIMPLEX 5A, OGNA TYPE. Identifiers: Orphanet 79401, MedGen C0432317, MONDO:0007555, OMIM 131950.
Epidermolysis bullosa simplex 5B, with muscular dystrophy (EBS5B). Also called: Epidermolysis bullosa simplex with muscular dystrophy; EPIDERMOLYSIS BULLOSA SIMPLEX AND LIMB-GIRDLE MUSCULAR DYSTROPHY. Identifiers: Orphanet 257, MedGen C2931072, MONDO:0009181, OMIM 226670.
Epidermolysis bullosa simplex with nail dystrophy (EBS5D). Identifiers: MedGen C4225309, MONDO:0014661, OMIM 616487.
Autosomal recessive limb-girdle muscular dystrophy type 2Q (LGMDR17). Also called: MUSCULAR DYSTROPHY, LIMB-GIRDLE, AUTOSOMAL RECESSIVE 17. Identifiers: Orphanet 254361, MedGen C3150989, MONDO:0013390, OMIM 613723.
Epidermolysis bullosa simplex 5C, with pyloric atresia (EBS5C). Also called: PLEC-Related Epidermolysis Bullosa with Pyloric Atresia; Epidermolysis bullosa simplex with pyloric atresia; PLEC1-Related Epidermolysis Bullosa with Pyloric Atresia. Identifiers: Orphanet 158684, MedGen C2677349, MONDO:0012807, OMIM 612138.

Allele frequency attached by ClinVar (database versions not stated): gnomAD 0.00009 and 0.00010; gnomAD exomes 0.00010 and 0.00015; ExAC 0.00014; TOPMed 0.00016; 1000 Genomes Project 0.00040; 1000 Genomes Project 30x 0.00062.
gnomAD v4.1: 163 of 1,611,782 alleles (0.01%); highest among the groups gnomAD compares: East Asian, 0.11%; 1 homozygote.

Submissions (3):

PreventionGenetics, part of Exact Sciences
Classification: Uncertain significance for PLEC-related condition. Last evaluated: 2026-02-24. Review status: criteria provided, single submitter. Criteria: ACMG Guidelines, 2015. Collection method: clinical testing. Allele origin: germline.
Comment: The PLEC c.11002G>A variant is predicted to result in the amino acid substitution p.Asp3668Asn. This variant was reported in the heterozygous state with and without a second potentially causative variant in two related individuals with hearing loss (Zhang et al. 2023. PubMed ID: 37393735). This variant is reported in 0.13% of alleles in individuals of East Asian descent in gnomAD. At this time, the clinical significance of this variant is uncertain due to the absence of conclusive functional and genetic evidence.

Labcorp Genetics (formerly Invitae), Labcorp
Classification: Uncertain significance for Autosomal recessive limb-girdle muscular dystrophy type 2Q; Epidermolysis bullosa simplex, Ogna type; Epidermolysis bullosa simplex with nail dystrophy; Epidermolysis bullosa simplex 5C, with pyloric atresia; Epidermolysis bullosa simplex 5B, with muscular dystrophy. Last evaluated: 2025-08-04. Review status: criteria provided, single submitter. Criteria: Invitae Variant Classification Sherloc (09022015). Collection method: clinical testing. Allele origin: germline.
Comment: This sequence change replaces aspartic acid, which is acidic and polar, with asparagine, which is neutral and polar, at codon 3668 of the PLEC protein (p.Asp3668Asn). This variant is present in population databases (rs146233901, gnomAD 0.1%). This variant has not been reported in the literature in individuals affected with PLEC-related conditions. ClinVar contains an entry for this variant (Variation ID: 962228). An algorithm developed to predict the effect of missense changes on protein structure and function (PolyPhen-2) suggests that this variant is likely to be disruptive. In summary, the available evidence is currently insufficient to determine the role of this variant in disease. Therefore, it has been classified as a Variant of Uncertain Significance.

Revvity Omics, Revvity
Classification: Uncertain significance. Last evaluated: 2025-04-24. Review status: criteria provided, single submitter. Criteria: ACMG Guidelines, 2015. Collection method: clinical testing. Allele origin: germline.

NM_201384.3(PLEC):c.10921G>A (p.Asp3641Asn)

Gene: PLEC (plectin; minus strand). Cytogenetic location: 8q24.3.
Variant type: single nucleotide variant.
Coding change: c.10921G>A on transcript NM_201384.3 (MANE Select); coding-DNA position 10921, G replaced by A.
Protein change: p.Asp3641Asn; replaces aspartic acid 3641 with asparagine.
Molecular consequence: missense variant.
Genome position (GRCh38, 1-based): chr8:143,918,900, C>T on the plus strand (G>A on the coding strand, the complement: PLEC is on the minus strand). VCF-style: chr8-143918900-C-T. GRCh37 (hg19) VCF-style: chr8-144993068-C-T.
Other names: c.11002G>A, p.Asp3668Asn (NM_000445.5); c.10879G>A, p.Asp3627Asn (NM_201378.4); c.10855G>A, p.Asp3619Asn (NM_201379.3); c.11332G>A, p.Asp3778Asn (NM_201380.4); c.10825G>A, p.Asp3609Asn (NM_201381.3); c.10921G>A, p.Asp3641Asn (NM_201382.4); c.10933G>A, p.Asp3645Asn (NM_201383.3); short protein forms D3641N, D3778N, D3609N, D3619N, D3627N, D3668N, D3645N.
Identifiers: ClinVar variation 962228 (VCV000962228.11), dbSNP rs146233901, ClinGen allele CA4924498.